The following is an entry in ClinVar:

ClinVar aggregate classification (germline): Uncertain significance. Review status: criteria provided, multiple submitters, no conflicts (2 of 4 stars). 3 submissions from 3 submitters: Uncertain significance (2). 1 of the submissions does not count toward it. Last evaluated 2024-05-21.

Conditions:
HYPERHOMOCYSTEINEMIA, THROMBOTIC, CBS-RELATED. Identifiers: MedGen C3150344, OMIM 236200.
Classic homocystinuria. Also called: Homocystinuria due to CBS deficiency; Cystathionine beta-synthase deficiency; CBS deficiency; Homocystinuria due to Cystathionine Beta-Synthase Deficiency; HOMOCYSTINURIA WITH OR WITHOUT RESPONSE TO PYRIDOXINE. Identifiers: Orphanet 394, MedGen C0751202, MONDO:0009352, OMIM 236200.

Allele frequency attached by ClinVar (database versions not stated): ESP Exome Variant Server 0.00008.

Submissions (3):

GeneDx
Classification: Uncertain significance. Last evaluated: 2024-05-21. Review status: criteria provided, single submitter. Criteria: GeneDx Variant Classification Process June 2021. Collection method: clinical testing. Allele origin: germline. Affected: yes.
Comment: Not observed at significant frequency in large population cohorts (gnomAD); In silico analysis supports that this missense variant has a deleterious effect on protein structure/function; Has not been previously published as pathogenic or benign to our knowledge

Labcorp Genetics (formerly Invitae), Labcorp
Classification: Uncertain significance for HYPERHOMOCYSTEINEMIA, THROMBOTIC, CBS-RELATED. Last evaluated: 2021-08-31. Review status: criteria provided, single submitter. Criteria: Invitae Variant Classification Sherloc (09022015). Collection method: clinical testing. Allele origin: germline.
Comment: This sequence change replaces alanine with serine at codon 288 of the CBS protein (p.Ala288Ser). The alanine residue is moderately conserved and there is a moderate physicochemical difference between alanine and serine. This variant is not present in population databases (ExAC no frequency). This variant has not been reported in the literature in individuals affected with CBS-related conditions. Algorithms developed to predict the effect of missense changes on protein structure and function are either unavailable or do not agree on the potential impact of this missense change (SIFT: "Deleterious"; PolyPhen-2: "Possibly Damaging"; Align-GVGD: "Class C0"). This variant disrupts the p.Ala288 amino acid residue in CBS. Other variant(s) that disrupt this residue have been observed in individuals with CBS-related conditions (PMID: 15365998, 16205833), which suggests that this may be a clinically significant amino acid residue. In summary, the available evidence is currently insufficient to determine the role of this variant in disease. Therefore, it has been classified as a Variant of Uncertain Significance.

Natera, Inc.
Classification: Uncertain significance for Homocystinuria due to cystathionine beta-synthase deficiency. Last evaluated: 2021-02-04. Review status: no assertion criteria provided. Collection method: clinical testing. Allele origin: germline. Not counted in ClinVar's aggregate classification.

Literature cited by the submitters: PubMed 15365998 (cited by Labcorp Genetics (formerly Invitae), Labcorp); PubMed 16205833 (cited by Labcorp Genetics (formerly Invitae), Labcorp).

NM_000071.3(CBS):c.862G>T (p.Ala288Ser)

Gene: CBS (cystathionine beta-synthase; minus strand). Cytogenetic location: 21q22.3.
Variant type: single nucleotide variant.
Coding change: c.862G>T on transcript NM_000071.3 (MANE Select); coding-DNA position 862, G replaced by T.
Protein change: p.Ala288Ser; replaces alanine 288 with serine.
Molecular consequence: missense variant.
Genome position (GRCh38, 1-based): chr21:43,063,045, C>A on the plus strand (G>T on the coding strand, the complement: CBS is on the minus strand). VCF-style: chr21-43063045-C-A. GRCh37 (hg19) VCF-style: chr21-44483155-C-A.
Other names: c.862G>T, p.Ala288Ser (NM_001178008.3, NM_001178009.3, NM_001320298.2); c.547G>T, p.Ala183Ser (NM_001321072.1); short protein forms A288S, A183S.
Identifiers: ClinVar variation 936814 (VCV000936814.12), dbSNP rs141502207, ClinGen allele CA321091499.